The following is an entry in ClinVar:

NM_144773.4(PROKR2):c.302T>C (p.Leu101Pro)

Gene: PROKR2 (prokineticin receptor 2; minus strand). Cytogenetic location: 20p12.3.
Variant type: single nucleotide variant.
Coding change: c.302T>C on transcript NM_144773.4 (MANE Select); coding-DNA position 302, T replaced by C.
Protein change: p.Leu101Pro; replaces leucine 101 with proline.
Molecular consequence: missense variant.
Genome position (GRCh38, 1-based): chr20:5,314,068, A>G on the plus strand (T>C on the coding strand, the complement: PROKR2 is on the minus strand). VCF-style: chr20-5314068-A-G. GRCh37 (hg19) VCF-style: chr20-5294714-A-G.
Other names: short protein forms L101P.
Identifiers: ClinVar variation 3606371 (VCV003606371.2).

ClinVar aggregate classification (germline): Uncertain significance (1 of 4 stars; one submission).

gnomAD v4.1: 2 of 1,614,236 alleles (0.00012%); highest among the groups gnomAD compares: African/African-American, 0.0013%; no homozygotes.

Submission:

Labcorp Genetics (formerly Invitae), Labcorp
Classification: Uncertain significance. Last evaluated: 2024-07-16. Review status: criteria provided, single submitter. Criteria: Invitae Variant Classification Sherloc (09022015). Collection method: clinical testing. Allele origin: germline.
Comment: This sequence change replaces leucine, which is neutral and non-polar, with proline, which is neutral and non-polar, at codon 101 of the PROKR2 protein (p.Leu101Pro). This variant is not present in population databases (gnomAD no frequency). This variant has not been reported in the literature in individuals affected with PROKR2-related conditions. Advanced modeling of protein sequence and biophysical properties (such as structural, functional, and spatial information, amino acid conservation, physicochemical variation, residue mobility, and thermodynamic stability) has been performed at Invitae for this missense variant, however the output from this modeling did not meet the statistical confidence thresholds required to predict the impact of this variant on PROKR2 protein function. In summary, the available evidence is currently insufficient to determine the role of this variant in disease. Therefore, it has been classified as a Variant of Uncertain Significance.